The following is an entry in ClinVar:

ClinVar aggregate classification (germline): Uncertain significance. Review status: criteria provided, multiple submitters, no conflicts (2 of 4 stars). 2 submissions from 2 submitters: Uncertain significance (2). Last evaluated 2023-03-01.

Conditions:
Charcot-Marie-Tooth disease type 2. Also called: Charcot-Marie-Tooth type 2. Identifiers: Orphanet 64746, MedGen C0270914, MONDO:0018993.

gnomAD v4.1: 3 of 1,608,754 alleles (0.00019%); highest among the groups gnomAD compares: Non-Finnish European, 0.00026%; no homozygotes.

Submissions (2):

Ambry Genetics
Classification: Uncertain significance. Last evaluated: 2023-03-01. Review status: criteria provided, single submitter. Criteria: Ambry Variant Classification Scheme 2023. Collection method: clinical testing. Allele origin: germline.
Comment: Occurs in the first base pair of the exon Based on insufficient or conflicting evidence, the clinical significance of this alteration remains unclear.

Labcorp Genetics (formerly Invitae), Labcorp
Classification: Uncertain significance for Charcot-Marie-Tooth disease type 2. Last evaluated: 2020-06-16. Review status: criteria provided, single submitter. Criteria: Invitae Variant Classification Sherloc (09022015). Collection method: clinical testing. Allele origin: germline.
Comment: In summary, the available evidence is currently insufficient to determine the role of this variant in disease. Therefore, it has been classified as a Variant of Uncertain Significance. Algorithms developed to predict the effect of missense changes on protein structure and function are either unavailable or do not agree on the potential impact of this missense change (SIFT: "Deleterious"; PolyPhen-2: "Probably Damaging"; Align-GVGD: "Class C0"). This variant has not been reported in the literature in individuals with GARS-related conditions. This variant is not present in population databases (ExAC no frequency). This sequence change replaces glutamic acid with lysine at codon 109 of the GARS protein (p.Glu109Lys). The glutamic acid residue is highly conserved and there is a small physicochemical difference between glutamic acid and lysine.

NM_002047.4(GARS1):c.325G>A (p.Glu109Lys)

Gene: GARS1 (glycyl-tRNA synthetase 1; plus strand). Cytogenetic location: 7p14.3.
Variant type: single nucleotide variant.
Coding change: c.325G>A on transcript NM_002047.4 (MANE Select); coding-DNA position 325, G replaced by A.
Protein change: p.Glu109Lys; replaces glutamic acid 109 with lysine.
Molecular consequence: missense variant.
Genome position (GRCh38, 1-based): chr7:30,599,947, G>A. VCF-style: chr7-30599947-G-A. GRCh37 (hg19) VCF-style: chr7-30639563-G-A.
Other names: c.163G>A, p.Glu55Lys (NM_001316772.1); c.325G>A (NM_002047.2); short protein forms E109K, E55K.
Identifiers: ClinVar variation 1008540 (VCV001008540.10), dbSNP rs1036198120, ClinGen allele CA156099432.